The following is an entry in ClinVar:

ClinVar aggregate classification (germline): Uncertain significance. Review status: criteria provided, multiple submitters, no conflicts (2 of 4 stars). 2 submissions from 2 submitters: Uncertain significance (2). Last evaluated 2022-03-13.

Conditions:
Arrhythmogenic cardiomyopathy with wooly hair and keratoderma. Also called: PALMOPLANTAR KERATODERMA WITH LEFT VENTRICULAR CARDIOMYOPATHY AND WOOLLY HAIR; Arrhythmogenic cardiomyopathy with woolly hair and keratoderma; Carvajal syndrome; Dilated cardiomyopathy with woolly hair and keratoderma. Identifiers: Orphanet 65282, MedGen C1854063, MONDO:0011581, OMIM 605676.
Arrhythmogenic right ventricular dysplasia 8 (ARVD8). Also called: ARRHYTHMOGENIC RIGHT VENTRICULAR DYSPLASIA, FAMILIAL, 8; ARRHYTHMOGENIC RIGHT VENTRICULAR CARDIOMYOPATHY 8; Arrhythmogenic Right Ventricular Dysplasia/Cardiomyopathy 8. Identifiers: MedGen C1843896, MONDO:0011831, OMIM 607450.

Submissions (2):

Labcorp Genetics (formerly Invitae), Labcorp
Classification: Uncertain significance for Arrhythmogenic cardiomyopathy with wooly hair and keratoderma; Arrhythmogenic right ventricular dysplasia 8. Last evaluated: 2022-03-13. Review status: criteria provided, single submitter. Criteria: Invitae Variant Classification Sherloc (09022015). Collection method: clinical testing. Allele origin: germline.
Comment: Algorithms developed to predict the effect of missense changes on protein structure and function are either unavailable or do not agree on the potential impact of this missense change (SIFT: "Tolerated"; PolyPhen-2: "Probably Damaging"; Align-GVGD: "Class C0"). In summary, the available evidence is currently insufficient to determine the role of this variant in disease. Therefore, it has been classified as a Variant of Uncertain Significance. This variant has not been reported in the literature in individuals affected with DSP-related conditions. This variant is not present in population databases (gnomAD no frequency). This sequence change replaces asparagine, which is neutral and polar, with aspartic acid, which is acidic and polar, at codon 1402 of the DSP protein (p.Asn1402Asp).

Blueprint Genetics
Classification: Uncertain significance. Last evaluated: 2018-04-17. Review status: criteria provided, single submitter. Criteria: ACMG Guidelines, 2015. Collection method: clinical testing. Allele origin: germline.

NM_004415.4(DSP):c.4204A>G (p.Asn1402Asp)

Gene: DSP (desmoplakin; plus strand). Cytogenetic location: 6p24.3.
Variant type: single nucleotide variant.
Coding change: c.4204A>G on transcript NM_004415.4 (MANE Select); coding-DNA position 4204, A replaced by G.
Protein change: p.Asn1402Asp; replaces asparagine 1402 with aspartic acid.
Molecular consequence: missense variant. On other transcripts: intron variant (2).
Genome position (GRCh38, 1-based): chr6:7,580,394, A>G. VCF-style: chr6-7580394-A-G. GRCh37 (hg19) VCF-style: chr6-7580627-A-G.
Other names: c.4050+154A>G (NM_001319034.2); c.3582+622A>G (NM_001008844.3); short protein forms N1402D.
Identifiers: ClinVar variation 2111130 (VCV002111130.5), dbSNP rs2533927817, ClinGen allele CA362685781.